The following is an entry in ClinVar:

ClinVar aggregate classification (germline): Pathogenic. Review status: criteria provided, multiple submitters, no conflicts (2 of 4 stars). 2 submissions from 2 submitters: Pathogenic (2). Last evaluated 2025-03-31.

Conditions:
Oculocutaneous albinism. Identifiers: Orphanet 55, MedGen C0078918, MONDO:0018910.

Allele frequency attached by ClinVar (database versions not stated): TOPMed below 0.00001; gnomAD 0.00001; gnomAD exomes 0.00001; 1000 Genomes Project 30x 0.00016; 1000 Genomes Project 0.00020.
gnomAD v4.1: 11 of 1,614,200 alleles (0.00068%); highest among the groups gnomAD compares: East Asian, 0.0045%; no homozygotes.

Submissions (2):

Women's Health and Genetics/Laboratory Corporation of America, LabCorp
Classification: Pathogenic for Oculocutaneous albinism. Last evaluated: 2025-03-31. Review status: criteria provided, single submitter. Criteria: LabCorp Variant Classification Summary - May 2015. Collection method: clinical testing. Allele origin: germline.
Comment: Variant summary: TYR c.124G>A (p.Asp42Asn) results in a conservative amino acid change in the encoded protein sequence. Three of five in-silico tools predict a damaging effect of the variant on protein function. The variant allele was found at a frequency of 4e-06 in 251416 control chromosomes. c.124G>A has been reported in the literature in individuals affected with Oculocutaneous Albinism (example: Chaki_2006, Urtatiz_2014). These data indicate that the variant is likely to be associated with disease. At least one publication reports experimental evidence evaluating an impact on protein function. The most pronounced variant effect results in <10% of normal activity (Chaki_2011). The following publications have been ascertained in the context of this evaluation (PMID: 16907708, 20861851, 25455140). ClinVar contains an entry for this variant (Variation ID: 2137222). Based on the evidence outlined above, the variant was classified as pathogenic.

Labcorp Genetics (formerly Invitae), Labcorp
Classification: Pathogenic. Last evaluated: 2024-01-30. Review status: criteria provided, single submitter. Criteria: Invitae Variant Classification Sherloc (09022015). Collection method: clinical testing. Allele origin: germline.
Comment: This sequence change replaces aspartic acid, which is acidic and polar, with asparagine, which is neutral and polar, at codon 42 of the TYR protein (p.Asp42Asn). This variant is not present in population databases (gnomAD no frequency). This missense change has been observed in individuals with oculocutaneous albinism (PMID: 16907708, 25455140). ClinVar contains an entry for this variant (Variation ID: 2137222). Advanced modeling of protein sequence and biophysical properties (such as structural, functional, and spatial information, amino acid conservation, physicochemical variation, residue mobility, and thermodynamic stability) performed at Invitae indicates that this missense variant is not expected to disrupt TYR protein function with a negative predictive value of 80%. Experimental studies have shown that this missense change affects TYR function (PMID: 20861851). For these reasons, this variant has been classified as Pathogenic.

Literature cited by the submitters: PubMed 16907708 (cited by Women's Health and Genetics/Laboratory Corporation of America, LabCorp and Labcorp Genetics (formerly Invitae), Labcorp); PubMed 20861851 (cited by Women's Health and Genetics/Laboratory Corporation of America, LabCorp and Labcorp Genetics (formerly Invitae), Labcorp); PubMed 25455140 (cited by Women's Health and Genetics/Laboratory Corporation of America, LabCorp and Labcorp Genetics (formerly Invitae), Labcorp).

NM_000372.5(TYR):c.124G>A (p.Asp42Asn)

Gene: TYR (tyrosinase; plus strand). Cytogenetic location: 11q14.3.
Variant type: single nucleotide variant.
Coding change: c.124G>A on transcript NM_000372.5 (MANE Select); coding-DNA position 124, G replaced by A.
Protein change: p.Asp42Asn; replaces aspartic acid 42 with asparagine.
Molecular consequence: missense variant.
Genome position (GRCh38, 1-based): chr11:89,178,077, G>A. VCF-style: chr11-89178077-G-A. GRCh37 (hg19) VCF-style: chr11-88911245-G-A.
Other names: short protein forms D42N.
Identifiers: ClinVar variation 2137222 (VCV002137222.5), dbSNP rs200960909, ClinGen allele CA6221048.